The following is an entry in ClinVar:

ClinVar aggregate classification (germline): Pathogenic (1 of 4 stars; one submission).

Conditions:
Long QT syndrome (LQTS). Identifiers: MedGen C0023976, MeSH D008133, MONDO:0002442. Disease mechanism: loss of function. Inheritance: Various modes of inheritance.

Submission:

Labcorp Genetics (formerly Invitae), Labcorp
Classification: Pathogenic for Long QT syndrome. Last evaluated: 2021-09-05. Review status: criteria provided, single submitter. Criteria: Invitae Variant Classification Sherloc (09022015). Collection method: clinical testing. Allele origin: germline.
Comment: This variant has not been reported in the literature in individuals affected with KCNH2-related conditions. For these reasons, this variant has been classified as Pathogenic. This variant is not present in population databases (ExAC no frequency). This sequence change creates a premature translational stop signal (p.Ser981Thrfs*80) in the KCNH2 gene. It is expected to result in an absent or disrupted protein product. Loss-of-function variants in KCNH2 are known to be pathogenic (PMID: 10973849, 19862833).

Literature cited by the submitters: PubMed 10973849; PubMed 19862833.

NM_000238.4(KCNH2):c.2931_2941dup (p.Ser981fs)

Gene: KCNH2 (potassium voltage-gated channel subfamily H member 2; minus strand). Cytogenetic location: 7q36.1.
Variant type: Duplication.
Coding change: c.2931_2941dup on transcript NM_000238.4 (MANE Select); coding-DNA positions 2931 to 2941, 11 bases duplicated (CGAGAAGAGCA).
Protein change: p.Ser981fs; shifts the reading frame from serine 981.
Molecular consequence: frameshift variant.
Genome position (GRCh38, 1-based): chr7:150,947,630-150,947,640, TGCTCTTCTCG duplicated on the plus strand (CGAGAAGAGCA on the coding strand, the reverse complement: KCNH2 is on the minus strand). VCF-style (leftmost placement, unchanged base first): chr7-150947629-C-CTGCTCTTCTCG. GRCh37 (hg19) VCF-style: chr7-150644717-C-CTGCTCTTCTCG.
Other names: c.1911_1921dup, p.Ser641fs (NM_172057.3); short protein forms S981fs, S641fs.
Identifiers: ClinVar variation 1398420 (VCV001398420.6), dbSNP rs2116931753, ClinGen allele CA2573141850.
Genomic context (GRCh38, chr7:150,947,629, plus strand): 5'-GCCCGGTCCTCCCTCGCCCGCCCGTCGCCCGGGATACCTGACAGGGGGTTGCAAGTGTCG[C>CTGCTCTTCTCG]TGCTCTTCTCGCAGTCCTCCATCAGGGGCTCCCCACCCGGCGGCTCTCCGGGGGGCCTGG-3'